The following is an entry in ClinVar:

NM_018475.5(TMEM165):c.506T>C (p.Ile169Thr)

Gene: TMEM165 (transmembrane protein 165; plus strand). Cytogenetic location: 4q12.
Variant type: single nucleotide variant.
Coding change: c.506T>C on transcript NM_018475.5 (MANE Select); coding-DNA position 506, T replaced by C.
Protein change: p.Ile169Thr; replaces isoleucine 169 with threonine.
Molecular consequence: missense variant. On other transcripts: non-coding transcript variant (1).
Genome position (GRCh38, 1-based): chr4:55,417,144, T>C. VCF-style: chr4-55417144-T-C. GRCh37 (hg19) VCF-style: chr4-56283311-T-C.
Other names: short protein forms I169T.
Identifiers: ClinVar variation 349066 (VCV000349066.12), dbSNP rs150519910, ClinGen allele CA2925533.
Genomic context (GRCh38, chr4:55,417,144, plus strand): 5'-ATGCCACCACAGTCATCCCCAGGGTCTATACATACTATGTTTCAACTGTATTATTTGCCA[T>C]TTTTGGCATTAGAATGCTTCGGGAAGGCTTAAAGATGAGCCCTGATGAGGGTCAAGAGGA-3'
Protein context (NP_060945.2, residues 159-179): TYYVSTVLFA[Ile169Thr]FGIRMLREGL

ClinVar aggregate classification (germline): Uncertain significance. Review status: criteria provided, multiple submitters, no conflicts (2 of 4 stars). 2 submissions from 2 submitters: Uncertain significance (2). Last evaluated 2024-06-03.

Conditions:
TMEM165-congenital disorder of glycosylation. Also called: CDG IIk; Congenital disorder of glycosylation type 2k; TMEM165-CDG. Identifiers: Orphanet 314667, MedGen C3553571, MONDO:0013870, OMIM 614727.

Allele frequency attached by ClinVar (database versions not stated): gnomAD exomes 0.00002 and 0.00003; ExAC 0.00003; gnomAD 0.00003 and 0.00004; TOPMed 0.00004; ESP Exome Variant Server 0.00008.
gnomAD v4.1: 38 of 1,613,778 alleles (0.0024%); highest among the groups gnomAD compares: Non-Finnish European, 0.0031%; no homozygotes.

Submissions (2):

Labcorp Genetics (formerly Invitae), Labcorp
Classification: Uncertain significance for TMEM165-congenital disorder of glycosylation. Last evaluated: 2024-06-03. Review status: criteria provided, single submitter. Criteria: Invitae Variant Classification Sherloc (09022015). Collection method: clinical testing. Allele origin: germline.
Comment: This sequence change replaces isoleucine, which is neutral and non-polar, with threonine, which is neutral and polar, at codon 169 of the TMEM165 protein (p.Ile169Thr). This variant is present in population databases (rs150519910, gnomAD 0.006%). This variant has not been reported in the literature in individuals affected with TMEM165-related conditions. ClinVar contains an entry for this variant (Variation ID: 349066). Advanced modeling of protein sequence and biophysical properties (such as structural, functional, and spatial information, amino acid conservation, physicochemical variation, residue mobility, and thermodynamic stability) performed at Invitae indicates that this missense variant is not expected to disrupt TMEM165 protein function with a negative predictive value of 80%. In summary, the available evidence is currently insufficient to determine the role of this variant in disease. Therefore, it has been classified as a Variant of Uncertain Significance.

Illumina Laboratory Services, Illumina
Classification: Uncertain significance for TMEM165-congenital disorder of glycosylation. Last evaluated: 2018-01-13. Review status: criteria provided, single submitter. Criteria: ICSL Variant Classification Criteria 13 December 2019. Collection method: clinical testing. Allele origin: germline.